The following is an entry in ClinVar:

NM_002470.4(MYH3):c.1884G>A (p.Ala628=)

Gene: MYH3 (myosin heavy chain 3; minus strand). Cytogenetic location: 17p13.1.
Variant type: single nucleotide variant.
Coding change: c.1884G>A on transcript NM_002470.4 (MANE Select); coding-DNA position 1884, G replaced by A.
Protein change: p.Ala628=; no amino-acid change (alanine 628 retained).
Molecular consequence: synonymous variant.
Genome position (GRCh38, 1-based): chr17:10,642,421, C>T on the plus strand (G>A on the coding strand, the complement: MYH3 is on the minus strand). VCF-style: chr17-10642421-C-T. GRCh37 (hg19) VCF-style: chr17-10545738-C-T.
Other names: c.1884G>A (NM_002470.3).
Identifiers: ClinVar variation 1964547 (VCV001964547.6), dbSNP rs200956871, ClinGen allele CA8392922.

ClinVar aggregate classification (germline): Likely benign. Review status: criteria provided, multiple submitters, no conflicts (2 of 4 stars). 2 submissions from 2 submitters: Likely benign (2). Last evaluated 2026-01-16.

Conditions:
MYH3-related disorder. Also called: MYH3-related condition; MYH3-Related Disorders. Identifiers: MedGen CN239329.

Allele frequency attached by ClinVar (database versions not stated): 1000 Genomes Project 0.00020; 1000 Genomes Project 30x 0.00047; ExAC 0.00005.
gnomAD v4.1: 20 of 1,614,120 alleles (0.0012%); highest among the groups gnomAD compares: Middle Eastern, 0.016%; no homozygotes.

Submissions (2):

PreventionGenetics, part of Exact Sciences
Classification: Likely benign for MYH3-related condition. Last evaluated: 2026-01-16. Review status: criteria provided, single submitter. Criteria: ACMG Guidelines, 2015. Collection method: clinical testing. Allele origin: germline.
Comment: This variant is classified as likely benign based on ACMG/AMP sequence variant interpretation guidelines (Richards et al. 2015 PMID: 25741868, with internal and published modifications).

Labcorp Genetics (formerly Invitae), Labcorp
Classification: Likely benign. Last evaluated: 2025-06-23. Review status: criteria provided, single submitter. Criteria: Invitae Variant Classification Sherloc (09022015). Collection method: clinical testing. Allele origin: germline.